The following is an entry in ClinVar:

ClinVar aggregate classification (germline): Uncertain significance (1 of 4 stars; one submission).

Conditions:
RASopathy. Also called: Noonan spectrum disorder; rasopathies. Identifiers: Orphanet 536391, MedGen C5555857, MONDO:0021060.

Submission:

Labcorp Genetics (formerly Invitae), Labcorp
Classification: Uncertain significance for RASopathy. Last evaluated: 2022-03-18. Review status: criteria provided, single submitter. Criteria: Invitae Variant Classification Sherloc (09022015). Collection method: clinical testing. Allele origin: germline.
Comment: This sequence change replaces lysine, which is basic and polar, with methionine, which is neutral and non-polar, at codon 392 of the CBL protein (p.Lys392Met). This variant is not present in population databases (gnomAD no frequency). This variant has not been reported in the literature in individuals affected with CBL-related conditions. Algorithms developed to predict the effect of missense changes on protein structure and function are either unavailable or do not agree on the potential impact of this missense change (SIFT: "Deleterious"; PolyPhen-2: "Probably Damaging"; Align-GVGD: "Class C0"). In summary, the available evidence is currently insufficient to determine the role of this variant in disease. Therefore, it has been classified as a Variant of Uncertain Significance.

NM_005188.4(CBL):c.1175A>T (p.Lys392Met)

Gene: CBL (Cbl proto-oncogene; plus strand). Cytogenetic location: 11q23.3.
Variant type: single nucleotide variant.
Coding change: c.1175A>T on transcript NM_005188.4 (MANE Select); coding-DNA position 1175, A replaced by T.
Protein change: p.Lys392Met; replaces lysine 392 with methionine.
Molecular consequence: missense variant.
Genome position (GRCh38, 1-based): chr11:119,278,245, A>T. VCF-style: chr11-119278245-A-T. GRCh37 (hg19) VCF-style: chr11-119148955-A-T.
Other names: short protein forms K392M.
Identifiers: ClinVar variation 1432787 (VCV001432787.8), dbSNP rs2135303785, ClinGen allele CA382912682.